The following is an entry in ClinVar:

ClinVar aggregate classification (germline): Pathogenic. Review status: criteria provided, multiple submitters, no conflicts (2 of 4 stars). 2 submissions from 2 submitters: Pathogenic (2). Last evaluated 2023-07-12.

Conditions:
Hereditary cancer-predisposing syndrome. Also called: Neoplastic Syndromes, Hereditary; Hereditary neoplastic syndrome; Tumor predisposition; Hereditary Cancer Syndrome. Identifiers: Orphanet 140162, MedGen C0027672, MeSH D009386, MONDO:0015356.
Multiple endocrine neoplasia, type 1 (MEN1). Also called: MEN I; WERMER SYNDROME; Endocrine adenomatosis multiple; MEN 1; MEA I. Identifiers: Orphanet 652, MedGen C0025267, MeSH D018761, MONDO:0007540, OMIM 131100.

Submissions (2):

Ambry Genetics
Classification: Pathogenic for Hereditary cancer-predisposing syndrome. Last evaluated: 2023-07-12. Review status: criteria provided, single submitter. Criteria: Ambry Variant Classification Scheme 2023. Collection method: clinical testing. Allele origin: germline.
Comment: The c.234dupT pathogenic mutation, located in coding exon 1 of the MEN1 gene, results from a duplication of T at nucleotide position 234, causing a translational frameshift with a predicted alternate stop codon (p.P79Sfs*38). This alteration has been observed in at least one individual with a personal and/or family history that is consistent with MEN1-related disease (Ambry internal data). This variant is considered to be rare based on population cohorts in the Genome Aggregation Database (gnomAD). This alteration is expected to result in loss of function by premature protein truncation or nonsense-mediated mRNA decay. As such, this alteration is interpreted as a disease-causing mutation.

Labcorp Genetics (formerly Invitae), Labcorp
Classification: Pathogenic for Multiple endocrine neoplasia, type 1. Last evaluated: 2020-07-27. Review status: criteria provided, single submitter. Criteria: Invitae Variant Classification Sherloc (09022015). Collection method: clinical testing. Allele origin: germline.
Comment: For these reasons, this variant has been classified as Pathogenic. Loss-of-function variants in MEN1 are known to be pathogenic (PMID: 12112656, 17853334). This variant has not been reported in the literature in individuals with MEN1-related conditions. This variant is not present in population databases (ExAC no frequency). This sequence change creates a premature translational stop signal (p.Pro79Serfs*38) in the MEN1 gene. It is expected to result in an absent or disrupted protein product.

Literature cited by the submitters: PubMed 12112656 (cited by Labcorp Genetics (formerly Invitae), Labcorp); PubMed 17853334 (cited by Labcorp Genetics (formerly Invitae), Labcorp).

NM_001370259.2(MEN1):c.234dup (p.Pro79fs)

Gene: MEN1 (menin 1; minus strand). Cytogenetic location: 11q13.1.
Variant type: Duplication.
Coding change: c.234dup on transcript NM_001370259.2 (MANE Select); coding-DNA position 234, one base duplicated (T; older notation c.234dupT).
Protein change: p.Pro79fs; shifts the reading frame from proline 79.
Molecular consequence: frameshift variant.
Genome position (GRCh38, 1-based): chr11:64,809,876, A duplicated on the plus strand (T on the coding strand, the reverse complement: MEN1 is on the minus strand); the first of 3 consecutive A bases (chr11:64,809,876-64,809,878); duplicating any one gives the same sequence. VCF-style (leftmost placement, unchanged base first): chr11-64809875-G-GA. GRCh37 (hg19) VCF-style: chr11-64577347-G-GA.
Other names: c.234dupT (NM_130799.2); c.234dup, p.Pro79fs (NM_000244.4, NM_001370251.2, NM_001370260.2 and 9 more transcripts); short protein forms P79fs.
Identifiers: ClinVar variation 1076585 (VCV001076585.9), dbSNP rs2136188431, ClinGen allele CA2499221170.